The following is an entry in ClinVar:

ClinVar aggregate classification (germline): Uncertain significance. Review status: criteria provided, multiple submitters, no conflicts (2 of 4 stars). 2 submissions from 2 submitters: Uncertain significance (2). Last evaluated 2025-03-18.

Conditions:
Inborn genetic diseases. Identifiers: MedGen C0950123, MeSH D030342.

gnomAD v4.1: 27 of 1,596,608 alleles (0.0017%); highest among the groups gnomAD compares: Middle Eastern, 0.017%; no homozygotes.

Submissions (2):

Ambry Genetics
Classification: Uncertain significance for Inborn genetic diseases. Last evaluated: 2025-03-18. Review status: criteria provided, single submitter. Criteria: Ambry Variant Classification Scheme 2023. Collection method: clinical testing. Allele origin: germline.

Labcorp Genetics (formerly Invitae), Labcorp
Classification: Uncertain significance. Last evaluated: 2024-09-30. Review status: criteria provided, single submitter. Criteria: Invitae Variant Classification Sherloc (09022015). Collection method: clinical testing. Allele origin: germline.
Comment: This sequence change replaces valine, which is neutral and non-polar, with isoleucine, which is neutral and non-polar, at codon 1637 of the FOCAD protein (p.Val1637Ile). This variant is present in population databases (rs755671239, gnomAD 0.003%). This variant has not been reported in the literature in individuals affected with FOCAD-related conditions. Experimental studies and prediction algorithms are not available or were not evaluated, and the functional significance of this variant is currently unknown. In summary, the available evidence is currently insufficient to determine the role of this variant in disease. Therefore, it has been classified as a Variant of Uncertain Significance.

NM_001375567.1(FOCAD):c.4909G>A (p.Val1637Ile)

Gene: FOCAD (focadhesin; plus strand). Cytogenetic location: 9p21.3.
Variant type: single nucleotide variant.
Coding change: c.4909G>A on transcript NM_001375567.1 (MANE Select); coding-DNA position 4909, G replaced by A.
Protein change: p.Val1637Ile; replaces valine 1637 with isoleucine.
Molecular consequence: missense variant.
Genome position (GRCh38, 1-based): chr9:20,988,334, G>A. VCF-style: chr9-20988334-G-A. GRCh37 (hg19) VCF-style: chr9-20988333-G-A.
Other names: c.4909G>A (NM_017794.3); c.4804G>A, p.Val1602Ile (NM_001375568.1, NM_001375570.1); c.4909G>A, p.Val1637Ile (NM_017794.5); short protein forms V1602I, V1637I.
Identifiers: ClinVar variation 3628080 (VCV003628080.3).